The following is an entry in ClinVar:

NM_003059.3(SLC22A4):c.200_215del (p.Val67fs)

Gene: SLC22A4 (solute carrier family 22 member 4; plus strand). Cytogenetic location: 5q31.1.
Variant type: Deletion.
Coding change: c.200_215del on transcript NM_003059.3 (MANE Select); coding-DNA positions 200 to 215, 16 bases deleted (TCCCGCTGCGGCTGCG).
Protein change: p.Val67fs; shifts the reading frame from valine 67.
Molecular consequence: frameshift variant.
Genome position (GRCh38, 1-based): chr5:132,294,816-132,294,831, TCCCGCTGCGGCTGCG deleted; deleting any 16 consecutive bases within chr5:132,294,815-132,294,831 gives the same sequence; the c. name uses the placement nearest the transcript's 3' end. VCF-style (leftmost placement, unchanged base first): chr5-132294814-TGTCCCGCTGCGGCTGC-T. GRCh37 (hg19) VCF-style: chr5-131630507-TGTCCCGCTGCGGCTGC-T.
Other names: short protein forms V67fs.
Identifiers: ClinVar variation 2975758 (VCV002975758.3), dbSNP rs2531962829, ClinGen allele CA2740094074.

ClinVar aggregate classification (germline): Uncertain significance (1 of 4 stars; one submission).

Submission:

Labcorp Genetics (formerly Invitae), Labcorp
Classification: Uncertain significance. Last evaluated: 2023-03-09. Review status: criteria provided, single submitter. Criteria: Invitae Variant Classification Sherloc (09022015). Collection method: clinical testing. Allele origin: germline.
Comment: In summary, the available evidence is currently insufficient to determine the role of this variant in disease. Therefore, it has been classified as a Variant of Uncertain Significance. This variant has not been reported in the literature in individuals affected with SLC22A4-related conditions. This variant is not present in population databases (gnomAD no frequency). This sequence change creates a premature translational stop signal (p.Val67Glyfs*58) in the SLC22A4 gene. It is expected to result in an absent or disrupted protein product. However, the current clinical and genetic evidence is not sufficient to establish whether loss-of-function variants in SLC22A4 cause disease.